The following is an entry in ClinVar:

ClinVar aggregate classification (germline): Conflicting classifications of pathogenicity. Review status: criteria provided, conflicting classifications (1 of 4 stars). 4 submissions from 4 submitters: Uncertain significance (3); Benign (1). Last evaluated 2025-12-16.

Conditions:
Ehlers-Danlos syndrome, classic type, 1 (EDSCL1). Also called: Ehlers-Danlos Syndrome, Classic Type, COL5A1-Related; EHLERS-DANLOS SYNDROME, GRAVIS TYPE; EHLERS-DANLOS SYNDROME, SEVERE CLASSIC TYPE; Ehlers-Danlos syndrome, type 1; EDS I. Identifiers: MedGen C0268335, MONDO:0019567, OMIM 130000.
Ehlers-Danlos syndrome, classic type (cEDS). Identifiers: Orphanet 287, MedGen C4225429, MONDO:0007522.
Familial thoracic aortic aneurysm and aortic dissection (TAAD). Also called: Thoracic aortic aneurysms and dissections. Identifiers: Orphanet 91387, MedGen C4707243, MONDO:0019625.

Allele frequency attached by ClinVar (database versions not stated): TOPMed 0.00001; ESP Exome Variant Server 0.00008; ExAC 0.00003; gnomAD 0.00006.
gnomAD v4.1: 19 of 1,614,044 alleles (0.0012%); highest among the groups gnomAD compares: East Asian, 0.013%; no homozygotes.

Submissions (4):

Labcorp Genetics (formerly Invitae), Labcorp
Classification: Benign for Ehlers-Danlos syndrome, classic type, 1. Last evaluated: 2025-12-16. Review status: criteria provided, single submitter. Criteria: Invitae Variant Classification Sherloc (09022015). Collection method: clinical testing. Allele origin: germline.

Ambry Genetics
Classification: Uncertain significance for Familial thoracic aortic aneurysm and aortic dissection. Last evaluated: 2021-10-01. Review status: criteria provided, single submitter. Criteria: Ambry Variant Classification Scheme 2023. Collection method: clinical testing. Allele origin: germline.
Comment: The p.P705L variant (also known as c.2114C>T), located in coding exon 22 of the COL5A1 gene, results from a C to T substitution at nucleotide position 2114. The proline at codon 705 is replaced by leucine, an amino acid with similar properties. This amino acid position is not well conserved in available vertebrate species. In addition, the in silico prediction for this alteration is inconclusive. Since supporting evidence is limited at this time, the clinical significance of this alteration remains unclear.

GeneDx
Classification: Uncertain significance. Last evaluated: 2019-07-15. Review status: criteria provided, single submitter. Criteria: GeneDx Variant Classification Process June 2021. Collection method: clinical testing. Allele origin: germline. Affected: yes.
Comment: Has not been previously published as pathogenic or benign to our knowledge; Reported in ClinVar but additional evidence is not available (ClinVar Variant ID#212947; Landrum et al., 2016); In silico analysis, which includes protein predictors and evolutionary conservation, supports a deleterious effect; Occurs in the triple helical domain at the Y position in the canonical Gly-X-Y repeat; although this variant may have an effect on normal protein folding and function, missense substitution at the Y position is not a common mechanism of disease (Symoens et al., 2012; Stenson et al., 2014)

Clinical Molecular Genetics Laboratory, Johns Hopkins All Children's Hospital
Classification: Uncertain significance for Ehlers-Danlos syndrome, classic type. Last evaluated: 2019-06-12. Review status: criteria provided, single submitter. Criteria: ACMG Guidelines, 2015. Collection method: clinical testing. Allele origin: germline. Inheritance: Autosomal dominant inheritance. Affected: yes. Observed: 1 heterozygote.

NM_000093.5(COL5A1):c.2114C>T (p.Pro705Leu)

Gene: COL5A1 (collagen type V alpha 1 chain; plus strand). Cytogenetic location: 9q34.3.
Variant type: single nucleotide variant.
Coding change: c.2114C>T on transcript NM_000093.5 (MANE Select); coding-DNA position 2114, C replaced by T.
Protein change: p.Pro705Leu; replaces proline 705 with leucine.
Molecular consequence: missense variant.
Genome position (GRCh38, 1-based): chr9:134,766,479, C>T. VCF-style: chr9-134766479-C-T. GRCh37 (hg19) VCF-style: chr9-137658325-C-T.
Other names: p.P705L:CCG>CTG; c.2114C>T, p.Pro705Leu (NM_001278074.1); short protein forms P705L.
Identifiers: ClinVar variation 212947 (VCV000212947.18), dbSNP rs375456811, ClinGen allele CA323922.